The following is an entry in ClinVar:

ClinVar aggregate classification (germline): Pathogenic (1 of 4 stars; one submission).

Conditions:
Hereditary diffuse gastric adenocarcinoma (HDGC). Also called: DIFFUSE GASTRIC AND LOBULAR BREAST CANCER SYNDROME. Identifiers: Orphanet 26106, MedGen C1708349, MONDO:0007648, OMIM 137215.

Submission:

Labcorp Genetics (formerly Invitae), Labcorp
Classification: Pathogenic for Hereditary diffuse gastric cancer. Last evaluated: 2019-02-06. Review status: criteria provided, single submitter. Criteria: Invitae Variant Classification Sherloc (09022015). Collection method: clinical testing. Allele origin: germline.
Comment: This variant is a sub-genic deletion of the genomic region encompassing exons 14-15 of the CDH1 gene. While this deletion is not anticipated to result in nonsense mediated decay, it is expected to create a truncated protein product. This variant has not been reported in the literature in individuals with CDH1-related conditions. This variant is expected to affect the C-terminal portion of the cytoplasmic domain of the CDH1 (E-cadherin) protein, which includes the binding domains for the PIP5K1C (phosphatidylinositol phosphate kinase, type I gamma) and CTNNB1 (beta-catenin) proteins (PMID: 22850631). Loss of these domains is expected to disrupt normal E-cadherin function. This suggests that deletion of this region of the CDH1 protein is causative of disease. Sub-genic deletion of exons 14-16 and exon 16 have been determined to be pathogenic (PMID: PMID: 19168852, Invitae). Therefore, deletions that fully encompass that region are also expected to be pathogenic. For these reasons, this variant has been classified as Pathogenic.

Literature cited by the submitters: PubMed 19168852; PubMed 22850631.

NC_000016.10:g.(?_68828164)_(68829807_?)del

Gene: CDH1 (cadherin 1; plus strand). Cytogenetic location: 16q22.1.
Variant type: Deletion.
Identifiers: ClinVar variation 832262 (VCV000832262.1).